The following is an entry in ClinVar:

NM_000228.3(LAMB3):c.2242G>T (p.Glu748Ter)

Gene: LAMB3 (laminin subunit beta 3; minus strand). Cytogenetic location: 1q32.2.
Variant type: single nucleotide variant.
Coding change: c.2242G>T on transcript NM_000228.3 (MANE Select); coding-DNA position 2242, G replaced by T.
Protein change: p.Glu748Ter; replaces glutamic acid 748 with a stop codon.
Molecular consequence: nonsense.
Genome position (GRCh38, 1-based): chr1:209,623,621, C>A on the plus strand (G>T on the coding strand, the complement: LAMB3 is on the minus strand). VCF-style: chr1-209623621-C-A. GRCh37 (hg19) VCF-style: chr1-209796966-C-A.
Other names: c.2242G>T, p.Glu748Ter (NM_001017402.2, NM_001127641.1); short protein forms E748*.
Identifiers: ClinVar variation 2095236 (VCV002095236.5), dbSNP rs369131781, ClinGen allele CA344588427.

ClinVar aggregate classification (germline): Pathogenic/Likely pathogenic. Review status: criteria provided, multiple submitters, no conflicts (2 of 4 stars). 2 submissions from 2 submitters: Pathogenic (1); Likely pathogenic (1). Last evaluated 2024-06-06.

Conditions:
Amelogenesis imperfecta type 1A. Also called: Amelogenesis imperfecta, type IA; Amelogenesis imperfecta local hypoplastic; Amelogenesis imperfecta, hypoplastic type; AMELOGENESIS IMPERFECTA, HYPOPLASTIC TYPE IA. Identifiers: Orphanet 88661, MedGen C4011403, MONDO:0007094, OMIM 104530.
Junctional epidermolysis bullosa gravis of Herlitz. Also called: Epidermolysis Bullosa Letalis; Herlitz-type junctional epidermolysis bullosa; EPIDERMOLYSIS BULLOSA, JUNCTIONAL 1B, SEVERE; EPIDERMOLYSIS BULLOSA JUNCTIONALIS, HERLITZ TYPE; EPIDERMOLYSIS BULLOSA, JUNCTIONAL, HERLITZ-PEARSON TYPE; JEB-HERLITZ TYPE. Identifiers: Orphanet 79404, MedGen C0079683, MONDO:0009182, OMIM 226700.
Junctional epidermolysis bullosa, non-Herlitz type. Also called: COL17A1-Related Junctional Epidermolysis Bullosa; Adult junctional epidermolysis bullosa; Epidermolysis bullosa, junctional, non-herlitz type, somatic mosaic revertant; EPIDERMOLYSIS BULLOSA, JUNCTIONAL 1A, INTERMEDIATE; EPIDERMOLYSIS BULLOSA JUNCTIONALIS, DISENTIS TYPE; EPIDERMOLYSIS BULLOSA JUNCTIONALIS, NON-HERLITZ TYPE. Identifiers: Orphanet 251393, Orphanet 79402, Orphanet 79405, Orphanet 89840, MedGen C0268374, MONDO:0009180, OMIM 226650.

Allele frequency attached by ClinVar (database versions not stated): gnomAD exomes below 0.00001.
gnomAD v4.1: 2 of 1,614,230 alleles (0.00012%); highest among the groups gnomAD compares: Non-Finnish European, 0.00017%; no homozygotes.

Submissions (2):

Fulgent Genetics
Classification: Likely pathogenic for Amelogenesis imperfecta type 1A; Junctional epidermolysis bullosa, non-Herlitz type; Junctional epidermolysis bullosa gravis of Herlitz. Last evaluated: 2024-06-06. Review status: criteria provided, single submitter. Criteria: ACMG Guidelines, 2015. Collection method: clinical testing. Allele origin: germline.

Labcorp Genetics (formerly Invitae), Labcorp
Classification: Pathogenic. Last evaluated: 2022-02-08. Review status: criteria provided, single submitter. Criteria: Invitae Variant Classification Sherloc (09022015). Collection method: clinical testing. Allele origin: germline.
Comment: For these reasons, this variant has been classified as Pathogenic. This premature translational stop signal has been observed in individual(s) with epidermolysis bullosa (PMID: 33274474). This variant is present in population databases (no rsID available, gnomAD 0.0009%). This sequence change creates a premature translational stop signal (p.Glu748*) in the LAMB3 gene. It is expected to result in an absent or disrupted protein product. Loss-of-function variants in LAMB3 are known to be pathogenic (PMID: 11023379, 16473856).

Literature cited by the submitters: PubMed 33274474 (cited by Labcorp Genetics (formerly Invitae), Labcorp); PubMed 11023379 (cited by Labcorp Genetics (formerly Invitae), Labcorp); PubMed 16473856 (cited by Labcorp Genetics (formerly Invitae), Labcorp).